The following is an entry in ClinVar:

NM_144997.7(FLCN):c.1493A>G (p.Asp498Gly)

Gene: FLCN (folliculin; minus strand). Cytogenetic location: 17p11.2.
Variant type: single nucleotide variant.
Coding change: c.1493A>G on transcript NM_144997.7 (MANE Select); coding-DNA position 1493, A replaced by G.
Protein change: p.Asp498Gly; replaces aspartic acid 498 with glycine.
Molecular consequence: missense variant.
Genome position (GRCh38, 1-based): chr17:17,215,030, T>C on the plus strand (A>G on the coding strand, the complement: FLCN is on the minus strand). VCF-style: chr17-17215030-T-C. GRCh37 (hg19) VCF-style: chr17-17118344-T-C.
Other names: c.1547A>G, p.Asp516Gly (NM_001353229.2); c.1493A>G, p.Asp498Gly (NM_001353230.2, NM_001353231.2); short protein forms D498G, D516G.
Identifiers: ClinVar variation 2808142 (VCV002808142.3), dbSNP rs2046868475, ClinGen allele CA398530845.

ClinVar aggregate classification (germline): Uncertain significance (1 of 4 stars; one submission).

Conditions:
Birt-Hogg-Dube syndrome. Also called: Birt Hogg Dubé syndrome. Identifiers: Orphanet 122, MedGen C0346010, MONDO:0800444.

Submission:

Labcorp Genetics (formerly Invitae), Labcorp
Classification: Uncertain significance for Birt-Hogg-Dube syndrome. Last evaluated: 2022-12-28. Review status: criteria provided, single submitter. Criteria: Invitae Variant Classification Sherloc (09022015). Collection method: clinical testing. Allele origin: germline.
Comment: In summary, the available evidence is currently insufficient to determine the role of this variant in disease. Therefore, it has been classified as a Variant of Uncertain Significance. Advanced modeling of protein sequence and biophysical properties (such as structural, functional, and spatial information, amino acid conservation, physicochemical variation, residue mobility, and thermodynamic stability) performed at Invitae indicates that this missense variant is not expected to disrupt FLCN protein function. This variant has not been reported in the literature in individuals affected with FLCN-related conditions. This variant is not present in population databases (gnomAD no frequency). This sequence change replaces aspartic acid, which is acidic and polar, with glycine, which is neutral and non-polar, at codon 498 of the FLCN protein (p.Asp498Gly).